The following is an entry in ClinVar:

ClinVar aggregate classification (germline): Uncertain significance (1 of 4 stars; one submission).

Conditions:
Cardiovascular phenotype. Identifiers: MedGen CN230736.

Submission:

Ambry Genetics
Classification: Uncertain significance for Cardiovascular phenotype. Last evaluated: 2023-07-20. Review status: criteria provided, single submitter. Criteria: Ambry Variant Classification Scheme 2023. Collection method: clinical testing. Allele origin: germline.
Comment: The p.I86V variant (also known as c.256A>G), located in coding exon 3 of the CACNB2 gene, results from an A to G substitution at nucleotide position 256. The isoleucine at codon 86 is replaced by valine, an amino acid with highly similar properties. This amino acid position is conserved. In addition, this alteration is predicted to be tolerated by in silico analysis. Since supporting evidence is limited at this time, the clinical significance of this alteration remains unclear.

NM_201596.3(CACNB2):c.418A>G (p.Ile140Val)

Gene: CACNB2 (calcium voltage-gated channel auxiliary subunit beta 2; plus strand). Cytogenetic location: 10p12.31.
Variant type: single nucleotide variant.
Coding change: c.418A>G on transcript NM_201596.3 (MANE Select); coding-DNA position 418, A replaced by G.
Protein change: p.Ile140Val; replaces isoleucine 140 with valine.
Molecular consequence: missense variant.
Genome position (GRCh38, 1-based): chr10:18,498,439, A>G. VCF-style: chr10-18498439-A-G. GRCh37 (hg19) VCF-style: chr10-18787368-A-G.
Other names: c.253A>G, p.Ile85Val (NM_000724.4, NM_001330060.2); c.334A>G, p.Ile112Val (NM_001167945.2, NM_201571.4, NM_201572.4); c.274A>G, p.Ile92Val (NM_001410882.1, NM_201570.3); c.256A>G, p.Ile86Val (NM_201590.3); c.418A>G, p.Ile140Val (NM_201593.3, NM_201597.3); short protein forms I140V, I86V, I92V, I112V, I85V.
Identifiers: ClinVar variation 2625180 (VCV002625180.2), dbSNP rs2494327249, ClinGen allele CA376056895.